The following is an entry in ClinVar:

NM_021096.4(CACNA1I):c.1246C>T (p.Arg416Trp)

Gene: CACNA1I (calcium voltage-gated channel subunit alpha1 I; plus strand). Cytogenetic location: 22q13.1.
Variant type: single nucleotide variant.
Coding change: c.1246C>T on transcript NM_021096.4 (MANE Select); coding-DNA position 1246, C replaced by T.
Protein change: p.Arg416Trp; replaces arginine 416 with tryptophan.
Molecular consequence: missense variant.
Genome position (GRCh38, 1-based): chr22:39,646,665, C>T. VCF-style: chr22-39646665-C-T. GRCh37 (hg19) VCF-style: chr22-40042670-C-T.
Other names: c.1246C>T, p.Arg416Trp (NM_001003406.2); short protein forms R416W.
Identifiers: ClinVar variation 3136409 (VCV003136409.3), dbSNP rs993634651, ClinGen allele CA324448794.

ClinVar aggregate classification (germline): Uncertain significance. Review status: criteria provided, multiple submitters, no conflicts (2 of 4 stars). 2 submissions from 2 submitters: Uncertain significance (2). Last evaluated 2023-11-13.

Conditions:
Neurodevelopmental disorder with speech impairment and with or without seizures. Also called: Neurodevelopmental disorder with variable intellectual disability and speech impairment, with or without seizures. Identifiers: MedGen C5774252, MONDO:0859313, OMIM 620114.

Allele frequency attached by ClinVar (database versions not stated): gnomAD 0.00001; gnomAD exomes 0.00001; TOPMed 0.00002.
gnomAD v4.1: 8 of 1,579,366 alleles (0.00051%); highest among the groups gnomAD compares: African/African-American, 0.0027%; no homozygotes.

Submissions (2):

Ambry Genetics
Classification: Uncertain significance. Last evaluated: 2023-11-13. Review status: criteria provided, single submitter. Criteria: Ambry Variant Classification Scheme 2023. Collection method: clinical testing. Allele origin: germline.

Juno Genomics, Hangzhou Juno Genomics, Inc
Classification: Uncertain significance for Neurodevelopmental disorder with speech impairment and with or without seizures. Review status: criteria provided, single submitter. Criteria: ACMG Guidelines, 2015. Collection method: clinical testing. Allele origin: germline.
Comment: Missense variant in a gene that has a low rate of benign missense variation.;Multiple lines of computational evidence support a deleterious effect on the gene or gene product.;Absent from controls (or at extremely low frequency if recessive) in Genome Aggregation Database.